The following is an entry in ClinVar:

NM_001378454.1(ALMS1):c.895C>G (p.Pro299Ala)

Gene: ALMS1 (ALMS1 centrosome and basal body associated protein; plus strand). Cytogenetic location: 2p13.1.
Variant type: single nucleotide variant.
Coding change: c.895C>G on transcript NM_001378454.1 (MANE Select); coding-DNA position 895, C replaced by G.
Protein change: p.Pro299Ala; replaces proline 299 with alanine.
Molecular consequence: missense variant.
Genome position (GRCh38, 1-based): chr2:73,424,560, C>G. VCF-style: chr2-73424560-C-G. GRCh37 (hg19) VCF-style: chr2-73651688-C-G.
Other names: c.898C>G, p.Pro300Ala (NM_015120.4); short protein forms P300A, P299A.
Identifiers: ClinVar variation 2078538 (VCV002078538.2), dbSNP rs1349884233, ClinGen allele CA347260799.

ClinVar aggregate classification (germline): Uncertain significance. Review status: criteria provided, multiple submitters, no conflicts (2 of 4 stars). 2 submissions from 2 submitters: Uncertain significance (2). Last evaluated 2024-05-02.

Conditions:
Alstrom syndrome (ALMS). Identifiers: Orphanet 64, MedGen C0268425, MONDO:0008763, OMIM 203800.

gnomAD v4.1: 2 of 1,613,858 alleles (0.00012%); highest among the groups gnomAD compares: Admixed American, 0.0033%; no homozygotes.

Submissions (2):

GeneDx
Classification: Uncertain significance. Last evaluated: 2024-05-02. Review status: criteria provided, single submitter. Criteria: GeneDx Variant Classification Process June 2021. Collection method: clinical testing. Allele origin: germline. Affected: yes.
Comment: Not observed at significant frequency in large population cohorts (gnomAD); In silico analysis indicates that this missense variant does not alter protein structure/function; Has not been previously published as pathogenic or benign to our knowledge

Labcorp Genetics (formerly Invitae), Labcorp
Classification: Uncertain significance for Alstrom syndrome. Last evaluated: 2022-05-03. Review status: criteria provided, single submitter. Criteria: Invitae Variant Classification Sherloc (09022015). Collection method: clinical testing. Allele origin: germline.
Comment: This sequence change replaces proline, which is neutral and non-polar, with alanine, which is neutral and non-polar, at codon 300 of the ALMS1 protein (p.Pro300Ala). This variant is present in population databases (no rsID available, gnomAD 0.003%). This variant has not been reported in the literature in individuals affected with ALMS1-related conditions. Experimental studies and prediction algorithms are not available or were not evaluated, and the functional significance of this variant is currently unknown. In summary, the available evidence is currently insufficient to determine the role of this variant in disease. Therefore, it has been classified as a Variant of Uncertain Significance.